The following is an entry in ClinVar:

ClinVar aggregate classification (germline): Uncertain significance (1 of 4 stars; one submission).

Submission:

Labcorp Genetics (formerly Invitae), Labcorp
Classification: Uncertain significance. Last evaluated: 2024-03-12. Review status: criteria provided, single submitter. Criteria: Invitae Variant Classification Sherloc (09022015). Collection method: clinical testing. Allele origin: germline.
Comment: This sequence change replaces arginine, which is basic and polar, with glycine, which is neutral and non-polar, at codon 31 of the PMP2 protein (p.Arg31Gly). This variant is not present in population databases (gnomAD no frequency). This variant has not been reported in the literature in individuals affected with PMP2-related conditions. An algorithm developed to predict the effect of missense changes on protein structure and function (PolyPhen-2) suggests that this variant is likely to be disruptive. In summary, the available evidence is currently insufficient to determine the role of this variant in disease. Therefore, it has been classified as a Variant of Uncertain Significance.

NM_002677.5(PMP2):c.91A>G (p.Arg31Gly)

Gene: PMP2 (peripheral myelin protein 2; minus strand). Cytogenetic location: 8q21.13.
Variant type: single nucleotide variant.
Coding change: c.91A>G on transcript NM_002677.5 (MANE Select); coding-DNA position 91, A replaced by G.
Protein change: p.Arg31Gly; replaces arginine 31 with glycine.
Molecular consequence: missense variant. On other transcripts: intron variant (1).
Genome position (GRCh38, 1-based): chr8:81,444,972, T>C on the plus strand (A>G on the coding strand, the complement: PMP2 is on the minus strand). VCF-style: chr8-81444972-T-C. GRCh37 (hg19) VCF-style: chr8-82357207-T-C.
Other names: c.74-371A>G (NM_001348381.2); short protein forms R31G.
Identifiers: ClinVar variation 3719487 (VCV003719487.2).